The following is an entry in ClinVar:

NM_000090.4(COL3A1):c.1542T>A (p.Pro514=)

Gene: COL3A1 (collagen type III alpha 1 chain; plus strand). Cytogenetic location: 2q32.2.
Variant type: single nucleotide variant.
Coding change: c.1542T>A on transcript NM_000090.4 (MANE Select); coding-DNA position 1542, T replaced by A.
Protein change: p.Pro514=; no amino-acid change (proline 514 retained).
Molecular consequence: synonymous variant.
Genome position (GRCh38, 1-based): chr2:188,995,724, T>A. VCF-style: chr2-188995724-T-A. GRCh37 (hg19) VCF-style: chr2-189860450-T-A.
Identifiers: ClinVar variation 4681966 (VCV004681966.5).

ClinVar aggregate classification (germline): Likely benign (1 of 4 stars; one submission).

gnomAD v4.1: 1 of 1,563,580 alleles (0.000064%); highest among the groups gnomAD compares: Non-Finnish European, 0.000087%; no homozygotes.

Submission:

CeGaT Center for Human Genetics Tuebingen
Classification: Likely benign. Last evaluated: 2025-12-01. Review status: criteria provided, single submitter. Criteria: CeGaT Center For Human Genetics Tuebingen Variant Classification Criteria Version 2. Collection method: clinical testing. Allele origin: germline. Affected: yes. Observed: 1 variant allele.
Comment: COL3A1: BP4, BP7